The following is an entry in ClinVar:

ClinVar aggregate classification (germline): Likely benign (1 of 4 stars; one submission).

Conditions:
CNKSR2-related disorder. Also called: CNKSR2-related condition.

Submission:

PreventionGenetics, part of Exact Sciences
Classification: Likely benign for CNKSR2-related condition. Last evaluated: 2026-04-17. Review status: criteria provided, single submitter. Criteria: ACMG Guidelines, 2015. Collection method: clinical testing. Allele origin: germline.
Comment: This variant is classified as likely benign based on ACMG/AMP sequence variant interpretation guidelines (Richards et al. 2015 PMID: 25741868, with internal and published modifications).

NM_014927.5(CNKSR2):c.2693-7G>T

Gene: CNKSR2 (connector enhancer of kinase suppressor of Ras 2; plus strand). Cytogenetic location: Xp22.12.
Variant type: single nucleotide variant.
Coding change: c.2693-7G>T on transcript NM_014927.5 (MANE Select); 7 bases into the intron before coding-DNA position 2693, G replaced by T.
Molecular consequence: intron variant.
Genome position (GRCh38, 1-based): chrX:21,648,824, G>T. VCF-style: chrX-21648824-G-T. GRCh37 (hg19) VCF-style: chrX-21666942-G-T.
Other names: c.2603-7G>T (NM_001168647.3); c.2546-7G>T (NM_001330770.2); c.2456-7G>T (NM_001330772.2).
Identifiers: ClinVar variation 4980547 (VCV004980547.1).